The following is an entry in ClinVar:

NM_000350.3(ABCA4):c.574G>A (p.Ala192Thr)

Gene: ABCA4 (ATP binding cassette subfamily A member 4; minus strand). Cytogenetic location: 1p22.1.
Variant type: single nucleotide variant.
Coding change: c.574G>A on transcript NM_000350.3 (MANE Select); coding-DNA position 574, G replaced by A.
Protein change: p.Ala192Thr; replaces alanine 192 with threonine.
Molecular consequence: missense variant.
Genome position (GRCh38, 1-based): chr1:94,098,988, C>T on the plus strand (G>A on the coding strand, the complement: ABCA4 is on the minus strand). VCF-style: chr1-94098988-C-T. GRCh37 (hg19) VCF-style: chr1-94564544-C-T.
Other names: c.574G>A, p.Ala192Thr (NM_001425324.1); short protein forms A192T.
Identifiers: ClinVar variation 99405 (VCV000099405.16), dbSNP rs61748535, ClinGen allele CA227340.
Genomic context (GRCh38, chr1:94,098,988, plus strand): 5'-GCTCCAGGAGGGCCTCGCTGCAGGCGATGTCCTTCAGCGCCAGGTCCGGGACTCCATGAG[C>T]GAACTGCAGGGAGAAGAGGCAACACTAGAAACTGCCCTGTGGTAGGAAAGACACCCACGT-3'
Protein context (NP_000341.2, residues 182-202): INSQVRPEQF[Ala192Thr]HGVPDLALKD

ClinVar aggregate classification (germline): Conflicting classifications of pathogenicity. Review status: criteria provided, conflicting classifications (1 of 4 stars). 5 submissions from 5 submitters: Uncertain significance (2); Likely benign (2). 1 of the submissions does not count toward it. Last evaluated 2026-02-01.

Conditions:
ABCA4-related disorder. Also called: ABCA4-related condition; ABCA4-related disorders. Identifiers: MedGen CN239167.

Allele frequency attached by ClinVar (database versions not stated): gnomAD exomes 0.00043; ExAC 0.00064; ESP Exome Variant Server 0.00146; gnomAD 0.00150 and 0.00158; 1000 Genomes Project 0.00160; TOPMed 0.00173; 1000 Genomes Project 30x 0.00187.
gnomAD v4.1: 493 of 1,606,020 alleles (0.031%); highest among the groups gnomAD compares: African/African-American, 0.54%; 3 homozygotes.

Submissions (5):

Labcorp Genetics (formerly Invitae), Labcorp
Classification: Likely benign. Last evaluated: 2026-02-01. Review status: criteria provided, single submitter. Criteria: Invitae Variant Classification Sherloc (09022015). Collection method: clinical testing. Allele origin: germline.

PreventionGenetics, part of Exact Sciences
Classification: Likely benign for ABCA4-related condition. Last evaluated: 2025-01-27. Review status: criteria provided, single submitter. Criteria: ACMG Guidelines, 2015. Collection method: clinical testing. Allele origin: germline.
Comment: This variant is classified as likely benign based on ACMG/AMP sequence variant interpretation guidelines (Richards et al. 2015 PMID: 25741868, with internal and published modifications).

Blueprint Genetics
Classification: Uncertain significance. Last evaluated: 2024-07-24. Review status: criteria provided, single submitter. Criteria: ACMG Guidelines, 2015. Collection method: clinical testing. Allele origin: germline.

GeneDx
Classification: Uncertain significance. Last evaluated: 2017-01-30. Review status: criteria provided, single submitter. Criteria: GeneDx Variant Classification (06012015). Collection method: clinical testing. Allele origin: germline. Affected: yes.
Comment: The A192T variant in the ABCA4 gene has been reported previously in an individual with Stargardt disease who was compound heterozygous for the A192T variant and another variant (Cideciyan et al., 2009). The A192T variant was also reported in two individuals with Stargardt disease, however no information was provided about a second ABCA4 variant (Birch et al., 2001; Webster et al., 2001). The A192T variant is observed in 57/8314 (0.7%) alleles from individuals of African background, in the ExAC database (Lek et al., 2016). The A192T variant is a non-conservative amino acid substitution, which is likely to impact secondary protein structure as these residues differ in polarity, charge, size and/or other properties. This substitution occurs at a position where amino acids with similar properties to Alanine are tolerated across species. In silico analysis is inconsistent in its predictions as to whether or not the variant is damaging to the protein structure/function. We interpret A192T as a variant of uncertain significance.

Retina International
No classification provided. Review status: no classification provided. Collection method: not provided. Allele origin: not provided. Not counted in ClinVar's aggregate classification.